The following is an entry in ClinVar:

NM_017739.4(POMGNT1):c.478A>G (p.Met160Val)

Genes: POMGNT1 (protein O-linked mannose N-acetylglucosaminyltransferase 1 (beta 1,2-); minus strand), TSPAN1 (tetraspanin 1; plus strand). Cytogenetic location: 1p34.1.
Variant type: single nucleotide variant.
Coding change: c.478A>G on transcript NM_017739.4 (MANE Select); coding-DNA position 478, A replaced by G.
Protein change: p.Met160Val; replaces methionine 160 with valine.
Molecular consequence: missense variant.
Genome position (GRCh38, 1-based): chr1:46,195,867, T>C on the plus strand (A>G on the coding strand, the complement: POMGNT1 is on the minus strand). VCF-style: chr1-46195867-T-C. GRCh37 (hg19) VCF-style: chr1-46661539-T-C.
Other names: c.478A>G, p.Met160Val (NM_001243766.2, NM_001410783.1); c.412A>G, p.Met138Val (NM_001290129.3); c.49A>G, p.Met17Val (NM_001290130.2); short protein forms M160V, M138V, M17V.
Identifiers: ClinVar variation 1357582 (VCV001357582.3), dbSNP rs1355389149, ClinGen allele CA340188419.

ClinVar aggregate classification (germline): Uncertain significance. Review status: criteria provided, single submitter (1 of 4 stars). 2 submissions from 2 submitters: Uncertain significance (1). 1 of the submissions does not count toward it. Last evaluated 2021-10-23.

Conditions:
Muscle eye brain disease (MEB). Also called: Santavuori congenital muscular dystrophy. Identifiers: Orphanet 588, Orphanet 899, MedGen C0457133, MONDO:0018939.
Autosomal recessive limb-girdle muscular dystrophy type 2O. Also called: Limb-Girdle Muscular Dystrophy Type 3C; MUSCULAR DYSTROPHY-DYSTROGLYCANOPATHY (LIMB-GIRDLE), TYPE C, 3; MUSCULAR DYSTROPHY-DYSTROGLYCANOPATHY, LIMB-GIRDLE, POMGNT1-RELATED. Identifiers: Orphanet 206564, MedGen C3150417, MONDO:0013161, OMIM 613157.
Muscular dystrophy-dystroglycanopathy (congenital with impaired intellectual development), type B, 3. Also called: MUSCULAR DYSTROPHY, CONGENITAL, POMGNT1-RELATED; Muscular dystrophy-dystroglycanopathy (congenital with intellectual disability), type B3. Identifiers: MedGen C3150412, MONDO:0013155, OMIM 613151.

Allele frequency attached by ClinVar (database versions not stated): gnomAD exomes below 0.00001; gnomAD 0.00001.
gnomAD v4.1: 3 of 1,612,958 alleles (0.00019%); highest among the groups gnomAD compares: East Asian, 0.0045%; no homozygotes.

Submissions (2):

Labcorp Genetics (formerly Invitae), Labcorp
Classification: Uncertain significance for Autosomal recessive limb-girdle muscular dystrophy type 2O; Muscular dystrophy-dystroglycanopathy (congenital with impaired intellectual development), type B, 3. Last evaluated: 2021-10-23. Review status: criteria provided, single submitter. Criteria: Invitae Variant Classification Sherloc (09022015). Collection method: clinical testing. Allele origin: germline.
Comment: This sequence change replaces methionine with valine at codon 160 of the POMGNT1 protein (p.Met160Val). The methionine residue is highly conserved and there is a small physicochemical difference between methionine and valine. This variant is not present in population databases (ExAC no frequency). This variant has not been reported in the literature in individuals with POMGNT1-related conditions. Advanced modeling of protein sequence and biophysical properties (such as structural, functional, and spatial information, amino acid conservation, physicochemical variation, residue mobility, and thermodynamic stability) performed at Invitae indicates that this missense variant is not expected to disrupt POMGNT1 protein function. In summary, the available evidence is currently insufficient to determine the role of this variant in disease. Therefore, it has been classified as a Variant of Uncertain Significance.

Natera, Inc.
Classification: Uncertain significance for Muscle-eye-brain disease. Last evaluated: 2025-04-12. Review status: no assertion criteria provided. Collection method: clinical testing. Allele origin: germline. Not counted in ClinVar's aggregate classification.